The following is an entry in ClinVar:

NM_001100913.3(PACS2):c.2418C>A (p.Ser806Arg)

Gene: PACS2 (phosphofurin acidic cluster sorting protein 2; plus strand). Cytogenetic location: 14q32.33.
Variant type: single nucleotide variant.
Coding change: c.2418C>A on transcript NM_001100913.3 (MANE Select); coding-DNA position 2418, C replaced by A.
Protein change: p.Ser806Arg; replaces serine 806 with arginine.
Molecular consequence: missense variant.
Genome position (GRCh38, 1-based): chr14:105,392,781, C>A. VCF-style: chr14-105392781-C-A. GRCh37 (hg19) VCF-style: chr14-105859118-C-A.
Other names: c.2148C>A, p.Ser716Arg (NM_001243127.3); c.2373C>A, p.Ser791Arg (NM_015197.4); c.2418C>A (NM_001100913.2); short protein forms S806R, S716R, S791R.
Identifiers: ClinVar variation 1919592 (VCV001919592.6), dbSNP rs782086378, ClinGen allele CA391187971.

ClinVar aggregate classification (germline): Likely benign. Review status: criteria provided, single submitter (1 of 4 stars). 2 submissions from 2 submitters: Likely benign (1). 1 of the submissions does not count toward it. Last evaluated 2022-09-01.

Conditions:
PACS2-related disorder. Also called: PACS2-related condition.

gnomAD v4.1: 1 of 1,611,010 alleles (0.000062%); highest among the groups gnomAD compares: Admixed American, 0.0017%; no homozygotes.

Submissions (2):

Labcorp Genetics (formerly Invitae), Labcorp
Classification: Likely benign. Last evaluated: 2022-09-01. Review status: criteria provided, single submitter. Criteria: Invitae Variant Classification Sherloc (09022015). Collection method: clinical testing. Allele origin: germline.

PreventionGenetics, part of Exact Sciences
Classification: Uncertain significance for PACS2-related condition. Last evaluated: 2024-06-25. Review status: no assertion criteria provided. Collection method: clinical testing. Allele origin: germline. Not counted in ClinVar's aggregate classification.
Comment: The PACS2 c.2418C>A variant is predicted to result in the amino acid substitution p.Ser806Arg. To our knowledge, this variant has not been reported in the literature or in a large population database, indicating this variant is rare. At this time, the clinical significance of this variant is uncertain due to the absence of conclusive functional and genetic evidence.